The following is an entry in ClinVar:

NM_000023.4(SGCA):c.385+1del

Gene: SGCA (sarcoglycan alpha; plus strand). Cytogenetic location: 17q21.33.
Variant type: Deletion.
Coding change: c.385+1del on transcript NM_000023.4 (MANE Select); the canonical splice donor site of the intron after coding-DNA position 385, one base deleted (G; older notation c.385+1delG).
Molecular consequence: splice donor variant.
Genome position (GRCh38, 1-based): chr17:50,168,020, G deleted; the last of 2 consecutive G bases (chr17:50,168,019-50,168,020); deleting either gives the same sequence. VCF-style (leftmost placement, unchanged base first): chr17-50168018-AG-A. GRCh37 (hg19) VCF-style: chr17-48245379-AG-A.
Other names: c.385+1del (NM_001135697.3).
Identifiers: ClinVar variation 5004294 (VCV005004294.1).

ClinVar aggregate classification (germline): Likely pathogenic (1 of 4 stars; one submission).

Conditions:
Autosomal recessive limb-girdle muscular dystrophy type 2D (LGMDR3). Also called: DUCHENNE-LIKE AUTOSOMAL RECESSIVE MUSCULAR DYSTROPHY, TYPE 2; MUSCULAR DYSTROPHY, LIMB-GIRDLE, AUTOSOMAL RECESSIVE 3; ADHALINOPATHY, PRIMARY. Identifiers: Orphanet 62, MedGen C2936332, MONDO:0011968, OMIM 608099. Disease mechanism: Affects gamma-sarcoglycan and also disrupts the integrity of the entire sarcoglycan complex..

Submission:

Myriad Genetics, Inc.
Classification: Likely pathogenic for Autosomal recessive limb-girdle muscular dystrophy type 2D. Last evaluated: 2025-11-25. Review status: criteria provided, single submitter. Criteria: Myriad Autosomal Dominant, Autosomal Recessive and X-Linked Classification Criteria (2023). Collection method: clinical testing. Allele origin: unknown.
Comment: NM_000023.2(SGCA):c.385+1delG is a variant in a canonical splice site classified as likely pathogenic in the context of alpha-sarcoglycanopathy. c.385+1delG has not been observed in cases with relevant disease. Relevant functional assessments of this variant are not available in the literature. c.385+1delG has not been observed in referenced population frequency databases. In summary, NM_000023.2(SGCA):c.385+1delG is a variant in a canonical splice site in a gene where loss of function is a known mechanism of disease and is predicted to disrupt protein function. Please note: this variant was assessed in the context of healthy population screening.